The following is an entry in ClinVar:

NM_199355.4(ADAMTS18):c.1422G>T (p.Trp474Cys)

Gene: ADAMTS18 (ADAM metallopeptidase with thrombospondin type 1 motif 18; minus strand). Cytogenetic location: 16q23.1.
Variant type: single nucleotide variant.
Coding change: c.1422G>T on transcript NM_199355.4 (MANE Select); coding-DNA position 1422, G replaced by T.
Protein change: p.Trp474Cys; replaces tryptophan 474 with cysteine.
Molecular consequence: missense variant.
Genome position (GRCh38, 1-based): chr16:77,355,978, C>A on the plus strand (G>T on the coding strand, the complement: ADAMTS18 is on the minus strand). VCF-style: chr16-77355978-C-A. GRCh37 (hg19) VCF-style: chr16-77389875-C-A.
Other names: c.906G>T, p.Trp302Cys (NM_001326358.2); short protein forms W302C, W474C.
Identifiers: ClinVar variation 1450936 (VCV001450936.6), dbSNP rs767491718, ClinGen allele CA396834774.

ClinVar aggregate classification (germline): Uncertain significance (1 of 4 stars; one submission).

Submission:

Labcorp Genetics (formerly Invitae), Labcorp
Classification: Uncertain significance. Last evaluated: 2021-10-27. Review status: criteria provided, single submitter. Criteria: Invitae Variant Classification Sherloc (09022015). Collection method: clinical testing. Allele origin: germline.
Comment: This sequence change replaces tryptophan, a(n) neutral and slightly polar amino acid, with cysteine, a(n) neutral and slightly polar amino acid, at codon 474 of the ADAMTS18 protein (p.Trp474Cys). This variant is not present in population databases (gnomAD no frequency). This variant has not been reported in the literature in individuals affected with ADAMTS18-related conditions. Algorithms developed to predict the effect of missense changes on protein structure and function are either unavailable or do not agree on the potential impact of this missense change (SIFT: "Not Available"; PolyPhen-2: "Probably Damaging"; Align-GVGD: "Not Available"). In summary, the available evidence is currently insufficient to determine the role of this variant in disease. Therefore, it has been classified as a Variant of Uncertain Significance.